The following is an entry in ClinVar:

GRCh37/hg19 22q11.21(chr22:18916843-21915509)x1

Genes: AIFM3 (AIF family member 3; plus strand), ARVCF (ARVCF delta catenin family member; minus strand), C22orf39 (chromosome 22 open reading frame 39; minus strand), CDC45 (cell division cycle 45; plus strand), CLDN5 (claudin 5; minus strand) and 47 more. Cytogenetic location: 22q11.21.
Variant type: copy number loss.
Change: copy number 1 (one copy instead of two) of chr22:18,916,843-21,915,509 (3.00 Mb, GRCh37 coordinates, 1-based), cytogenetic band 22q11.21.
Identifiers: ClinVar variation 1808633 (VCV001808633.1).

ClinVar aggregate classification (germline): Pathogenic (1 of 4 stars; one submission).

Submission:

Quest Diagnostics Nichols Institute San Juan Capistrano
Classification: Pathogenic. Last evaluated: 2022-04-12. Review status: criteria provided, single submitter. Criteria: ACMG/ClinGen CNV Guidelines, 2019. Collection method: clinical testing. Allele origin: unknown.
Comment: This copy number loss is associated with the proximal (LCR22 A-D) 22q11.2 deletion syndrome a.k.a., Velocardiofacial syndrome (VCFS) or DiGeorge syndrome (DGS) (OMIM 192430; OMIM 188400). Individuals with chromosome 22q11.2 deletion syndrome have a broad range of phenotypic findings, including congenital heart defects, particularly conotruncal malformations (tetralogy of Fallot, interrupted aortic arch, ventricular septal defect, and truncus arteriosus), palatal abnormalities, characteristic facial features, learning difficulties, and immune deficiency. Haploinsufficiency of the TBX1 gene in particular is responsible for most of the clinical features. Deletions of this locus are usually de novo, but can be inherited. See GeneReviews for additional information and references.